The following is an entry in ClinVar:

NM_018941.4(CLN8):c.181_183del (p.Lys61del)

Gene: CLN8 (CLN8 transmembrane ER and ERGIC protein; plus strand). Cytogenetic location: 8p23.3.
Variant type: Deletion.
Coding change: c.181_183del on transcript NM_018941.4 (MANE Select); coding-DNA positions 181 to 183, 3 bases deleted (AAG; older notation c.181_183delAAG).
Protein change: p.Lys61del; deletes lysine 61.
Molecular consequence: inframe deletion.
Genome position (GRCh38, 1-based): chr8:1,771,235-1,771,237, AAG deleted; deleting any 3 consecutive bases within chr8:1,771,233-1,771,237 gives the same sequence; the c. name uses the placement nearest the transcript's 3' end. VCF-style (leftmost placement, unchanged base first): chr8-1771232-GAGA-G. GRCh37 (hg19) VCF-style: chr8-1719398-GAGA-G.
Other names: short protein forms K61del.
Identifiers: ClinVar variation 56703 (VCV000056703.3), dbSNP rs386834123, ClinGen allele CA264156.
Genomic context (GRCh38, chr8:1,771,232, plus strand): 5'-GTGGTCTGCCACCAGCTGTCCTCTTCCCTGAATGCCACTTACCGTTCTTTGGTGGCCAGA[GAGA>G]AGGTCTTCTGGGACCTGGCGGCCACGCGTGCAGTCTTTGGTGTTCAGAGCACAGCCGCAG-3'

ClinVar aggregate classification (germline): Pathogenic/Likely pathogenic. Review status: no assertion criteria provided (0 of 4 stars). 2 submissions from 2 submitters: Pathogenic (1); Likely pathogenic (1). Last evaluated 2009-07-01.

Conditions:
Neuronal ceroid lipofuscinosis 8 (CLN8). Also called: CLN8-Related Neuronal Ceroid-Lipofuscinosis. Identifiers: Orphanet 168491, Orphanet 228354, Orphanet 79264, MedGen C1838570, MONDO:0010830, OMIM 600143.

Submissions (2):

OMIM
Classification: Pathogenic for CEROID LIPOFUSCINOSIS, NEURONAL, 8. Last evaluated: 2009-07-01. Review status: no assertion criteria provided. Collection method: literature only. Allele origin: germline.

Juha Muilu Group; Institute for Molecular Medicine Finland (FIMM)
Classification: Likely pathogenic for Ceroid lipofuscinosis neuronal 8. Review status: no assertion criteria provided. Collection method: not provided. Allele origin: unknown.
Comment: FinDis database variant: This variant was not found or characterized by our laboratory, data were collected from public sources: see reference
ClinVar note: Converted during submission from probable-pathogenic to Likely pathogenic.

Literature cited by the submitters: PubMed 19431184 (cited by OMIM).